The following is an entry in ClinVar:

ClinVar aggregate classification (germline): Benign/Likely benign. Review status: criteria provided, multiple submitters, no conflicts (2 of 4 stars). 3 submissions from 3 submitters: Benign (1); Likely benign (1). 1 of the submissions does not count toward it. Last evaluated 2022-11-01.

Conditions:
SLC9A9-related disorder. Also called: SLC9A9-related condition.

Allele frequency attached by ClinVar (database versions not stated): gnomAD exomes 0.00009 and 0.00033; ExAC 0.00040; 1000 Genomes Project 0.00060; 1000 Genomes Project 30x 0.00062; gnomAD 0.00106 and 0.00118; TOPMed 0.00124; ESP Exome Variant Server 0.00154.
gnomAD v4.1: 300 of 1,614,002 alleles (0.019%); highest among the groups gnomAD compares: African/African-American, 0.36%; 1 homozygote.

Submissions (3):

CeGaT Center for Human Genetics Tuebingen
Classification: Likely benign. Last evaluated: 2022-11-01. Review status: criteria provided, single submitter. Criteria: CeGaT Center For Human Genetics Tuebingen Variant Classification Criteria Version 2. Collection method: clinical testing. Allele origin: germline. Affected: yes. Observed: 1 variant allele.
Comment: SLC9A9: BP4, BP7

Labcorp Genetics (formerly Invitae), Labcorp
Classification: Benign. Last evaluated: 2018-06-01. Review status: criteria provided, single submitter. Criteria: Invitae Variant Classification Sherloc (09022015). Collection method: clinical testing. Allele origin: germline.

PreventionGenetics, part of Exact Sciences
Classification: Likely benign for SLC9A9-related condition. Last evaluated: 2019-03-25. Review status: no assertion criteria provided. Collection method: clinical testing. Allele origin: germline. Not counted in ClinVar's aggregate classification.
Comment: This variant is classified as likely benign based on ACMG/AMP sequence variant interpretation guidelines (Richards et al. 2015 PMID: 25741868, with internal and published modifications).

NM_173653.4(SLC9A9):c.759T>C (p.Ser253=)

Gene: SLC9A9 (solute carrier family 9 member A9; minus strand). Cytogenetic location: 3q24.
Variant type: single nucleotide variant.
Coding change: c.759T>C on transcript NM_173653.4 (MANE Select); coding-DNA position 759, T replaced by C.
Protein change: p.Ser253=; no amino-acid change (serine 253 retained).
Molecular consequence: synonymous variant.
Genome position (GRCh38, 1-based): chr3:143,578,720, A>G on the plus strand (T>C on the coding strand, the complement: SLC9A9 is on the minus strand). VCF-style: chr3-143578720-A-G. GRCh37 (hg19) VCF-style: chr3-143297562-A-G.
Identifiers: ClinVar variation 757092 (VCV000757092.28), dbSNP rs148869886, ClinGen allele CA2654075.